The following is an entry in ClinVar:

NM_001277115.2(DNAH11):c.4752dup (p.Glu1585fs)

Gene: DNAH11 (dynein axonemal heavy chain 11; plus strand). Cytogenetic location: 7p15.3.
Variant type: Duplication.
Coding change: c.4752dup on transcript NM_001277115.2 (MANE Select); coding-DNA position 4752, one base duplicated (A; older notation c.4752dupA).
Protein change: p.Glu1585fs; shifts the reading frame from glutamic acid 1585.
Molecular consequence: frameshift variant.
Genome position (GRCh38, 1-based): chr7:21,637,637, A duplicated. VCF-style (leftmost placement, unchanged base first): chr7-21637636-T-TA. GRCh37 (hg19) VCF-style: chr7-21677254-T-TA.
Other names: short protein forms E1585fs.
Identifiers: ClinVar variation 1456147 (VCV001456147.6), dbSNP rs2128459908, ClinGen allele CA2573142042.

ClinVar aggregate classification (germline): Pathogenic (1 of 4 stars; one submission).

Conditions:
Primary ciliary dyskinesia. Also called: Ciliary dyskinesia. Identifiers: Orphanet 244, MedGen C0008780, MONDO:0016575, HP:0012265.

Submission:

Labcorp Genetics (formerly Invitae), Labcorp
Classification: Pathogenic for Primary ciliary dyskinesia. Last evaluated: 2020-12-03. Review status: criteria provided, single submitter. Criteria: Invitae Variant Classification Sherloc (09022015). Collection method: clinical testing. Allele origin: germline.
Comment: For these reasons, this variant has been classified as Pathogenic. This variant has not been reported in the literature in individuals with DNAH11-related conditions. This variant is not present in population databases (ExAC no frequency). This sequence change creates a premature translational stop signal (p.Glu1585Argfs*11) in the DNAH11 gene. It is expected to result in an absent or disrupted protein product. Loss-of-function variants in DNAH11 are known to be pathogenic (PMID: 18022865, 20513915, 22184204).

Literature cited by the submitters: PubMed 18022865; PubMed 20513915; PubMed 22184204.